The following is an entry in ClinVar:

NM_003322.6(TULP1):c.635G>T (p.Ser212Ile)

Gene: TULP1 (TUB like protein 1; minus strand). Cytogenetic location: 6p21.31.
Variant type: single nucleotide variant.
Coding change: c.635G>T on transcript NM_003322.6 (MANE Select); coding-DNA position 635, G replaced by T.
Protein change: p.Ser212Ile; replaces serine 212 with isoleucine.
Molecular consequence: missense variant.
Genome position (GRCh38, 1-based): chr6:35,509,717, C>A on the plus strand (G>T on the coding strand, the complement: TULP1 is on the minus strand). VCF-style: chr6-35509717-C-A. GRCh37 (hg19) VCF-style: chr6-35477494-C-A.
Other names: c.635G>T (NM_003322.3); c.476G>T, p.Ser159Ile (NM_001289395.2); short protein forms S159I, S212I.
Identifiers: ClinVar variation 1958016 (VCV001958016.3), dbSNP rs1371203038, ClinGen allele CA363782659.

ClinVar aggregate classification (germline): Uncertain significance. Review status: criteria provided, multiple submitters, no conflicts (2 of 4 stars). 2 submissions from 2 submitters: Uncertain significance (2). Last evaluated 2025-11-26.

Conditions:
Inborn genetic diseases. Identifiers: MedGen C0950123, MeSH D030342.

Submissions (2):

Ambry Genetics
Classification: Uncertain significance for Inborn genetic diseases. Last evaluated: 2025-11-26. Review status: criteria provided, single submitter. Criteria: Ambry Variant Classification Scheme 2023. Collection method: clinical testing. Allele origin: germline.

Labcorp Genetics (formerly Invitae), Labcorp
Classification: Uncertain significance. Last evaluated: 2022-05-21. Review status: criteria provided, single submitter. Criteria: Invitae Variant Classification Sherloc (09022015). Collection method: clinical testing. Allele origin: germline.
Comment: This sequence change replaces serine, which is neutral and polar, with isoleucine, which is neutral and non-polar, at codon 212 of the TULP1 protein (p.Ser212Ile). This variant is not present in population databases (gnomAD no frequency). This variant has not been reported in the literature in individuals affected with TULP1-related conditions. Algorithms developed to predict the effect of missense changes on protein structure and function are either unavailable or do not agree on the potential impact of this missense change (SIFT: "Not Available"; PolyPhen-2: "Possibly Damaging"; Align-GVGD: "Not Available"). In summary, the available evidence is currently insufficient to determine the role of this variant in disease. Therefore, it has been classified as a Variant of Uncertain Significance.